The following is an entry in ClinVar:

NM_033004.4(NLRP1):c.2960+6G>C

Gene: NLRP1 (NLR family pyrin domain containing 1; minus strand). Cytogenetic location: 17p13.2.
Variant type: single nucleotide variant.
Coding change: c.2960+6G>C on transcript NM_033004.4 (MANE Select); 6 bases into the intron after coding-DNA position 2960, G replaced by C.
Molecular consequence: intron variant.
Genome position (GRCh38, 1-based): chr17:5,536,845, C>G on the plus strand (G>C on the coding strand, the complement: NLRP1 is on the minus strand). VCF-style: chr17-5536845-C-G. GRCh37 (hg19) VCF-style: chr17-5440165-C-G.
Other names: c.2960+6G>C (NM_014922.5, NM_001033053.3); c.2870+2570G>C (NM_033007.4, NM_033006.4).
Identifiers: ClinVar variation 3620123 (VCV003620123.2).
Genomic context (GRCh38, chr17:5,536,845, plus strand): 5'-CTTTCCCTGTCTCCTGCTCAGCCCTGGGCCTGGGTCAGCCAGAGGGAGTTCTGGGTCCCC[C>G]CTTACCGTCTGCTGAAGATGAGCAGCTGAGGTTTCTCCTGCTCCAGGGCCCTCAGTTCCT-3'

ClinVar aggregate classification (germline): Uncertain significance (1 of 4 stars; one submission).

gnomAD v4.1: 8 of 1,607,252 alleles (0.0005%); highest among the groups gnomAD compares: African/African-American, 0.0027%; no homozygotes.

Submission:

Labcorp Genetics (formerly Invitae), Labcorp
Classification: Uncertain significance. Last evaluated: 2025-01-01. Review status: criteria provided, single submitter. Criteria: Invitae Variant Classification Sherloc (09022015). Collection method: clinical testing. Allele origin: germline.
Comment: This sequence change falls in intron 8 of the NLRP1 gene. It does not directly change the encoded amino acid sequence of the NLRP1 protein. It affects a nucleotide within the consensus splice site. This variant is present in population databases (rs371795707, gnomAD 0.007%). This variant has not been reported in the literature in individuals affected with NLRP1-related conditions. Variants that disrupt the consensus splice site are a relatively common cause of aberrant splicing (PMID: 17576681, 9536098). Algorithms developed to predict the effect of sequence changes on RNA splicing suggest that this variant is not likely to affect RNA splicing. In summary, the available evidence is currently insufficient to determine the role of this variant in disease. Therefore, it has been classified as a Variant of Uncertain Significance.

Literature cited by the submitters: PubMed 17576681; PubMed 9536098.